The following is an entry in ClinVar:

ClinVar aggregate classification (germline): Conflicting classifications of pathogenicity. Review status: criteria provided, conflicting classifications (1 of 4 stars). 5 submissions from 5 submitters: Pathogenic (3); Uncertain significance (1). 1 of the submissions does not count toward it. Last evaluated 2024-06-11.

Conditions:
Dystonia 30. Identifiers: MedGen C5543312, MONDO:0025691, OMIM 619291.

gnomAD v4.1: 6 of 1,614,058 alleles (0.00037%); highest among the groups gnomAD compares: Non-Finnish European, 0.00051%; no homozygotes.

Submissions (5):

Institute of Human Genetics, University of Leipzig Medical Center
Classification: Pathogenic for Dystonia 30. Last evaluated: 2024-06-11. Review status: criteria provided, single submitter. Criteria: ACMG Guidelines, 2015. Collection method: clinical testing. Allele origin: unknown. Inheritance: Autosomal dominant inheritance. Affected: yes.
Comment: Criteria applied: PVS1,PS4_MOD,PM2_SUP

GeneDx
Classification: Uncertain significance. Last evaluated: 2023-10-12. Review status: criteria provided, single submitter. Criteria: GeneDx Variant Classification Process June 2021. Collection method: clinical testing. Allele origin: germline.
Comment: Not observed at significant frequency in large population cohorts (gnomAD); Nonsense variant predicted to result in protein truncation or nonsense mediated decay in a gene or region of a gene for which loss of function is not a well-established mechanism of disease; This variant is associated with the following publications: (PMID: 32808683, 33998058, 35872528)

3billion
Classification: Pathogenic for Dystonia 30. Last evaluated: 2023-02-23. Review status: criteria provided, single submitter. Criteria: ACMG Guidelines, 2015. Collection method: clinical testing. Allele origin: unknown. Affected: yes.
Comment: The variant is not observed in the gnomAD v2.1.1 dataset. This variant was predicted to result in a loss or disruption of normal protein function through nonsense-mediated decay (NMD) or protein truncation. Multiple pathogenic variants are reported downstream of the variant. The variant has been reported to be associated with VPS16 related disorder (PMID: 32808683). Therefore, it is classified as Pathogenic according to the recommendation of ACMG/AMP guideline.

Institute of Human Genetics Munich, TUM University Hospital
Classification: Pathogenic for Dystonia 30. Last evaluated: 2020-11-05. Review status: criteria provided, single submitter. Criteria: Classification criteria August 2017. Collection method: clinical testing. Allele origin: germline. Inheritance: Autosomal dominant inheritance. Affected: yes. Observed: 2 variant alleles.

OMIM
Classification: Pathogenic for DYSTONIA 30. Last evaluated: 2021-04-30. Review status: no assertion criteria provided. Collection method: literature only. Allele origin: germline. Not counted in ClinVar's aggregate classification.

Literature cited by the submitters: PubMed 32808683 (cited by 3billion and OMIM).

NM_022575.4(VPS16):c.559C>T (p.Arg187Ter)

Gene: VPS16 (VPS16 core subunit of CORVET and HOPS complexes; plus strand). Cytogenetic location: 20p13.
Variant type: single nucleotide variant.
Coding change: c.559C>T on transcript NM_022575.4 (MANE Select); coding-DNA position 559, C replaced by T.
Protein change: p.Arg187Ter; replaces arginine 187 with a stop codon.
Molecular consequence: nonsense.
Genome position (GRCh38, 1-based): chr20:2,860,792, C>T. VCF-style: chr20-2860792-C-T. GRCh37 (hg19) VCF-style: chr20-2841438-C-T.
Other names: c.559C>T, p.Arg187Ter (NM_080413.3); short protein forms R187*.
Identifiers: ClinVar variation 1065413 (VCV001065413.7), dbSNP rs754351705, ClinGen allele CA408053896.